The following is an entry in ClinVar:

NM_001376.5(DYNC1H1):c.3689C>G (p.Ser1230Cys)

Gene: DYNC1H1 (dynein cytoplasmic 1 heavy chain 1; plus strand). Cytogenetic location: 14q32.31.
Variant type: single nucleotide variant.
Coding change: c.3689C>G on transcript NM_001376.5 (MANE Select); coding-DNA position 3689, C replaced by G.
Protein change: p.Ser1230Cys; replaces serine 1230 with cysteine.
Molecular consequence: missense variant.
Genome position (GRCh38, 1-based): chr14:101,997,159, C>G. VCF-style: chr14-101997159-C-G. GRCh37 (hg19) VCF-style: chr14-102463496-C-G.
Other names: short protein forms S1230C.
Identifiers: ClinVar variation 1027024 (VCV001027024.8), dbSNP rs2048071968, ClinGen allele CA391036081.

ClinVar aggregate classification (germline): Uncertain significance (1 of 4 stars; one submission).

Conditions:
Charcot-Marie-Tooth disease axonal type 2O. Also called: CHARCOT-MARIE-TOOTH NEUROPATHY, AXONAL, TYPE 2O; CHARCOT-MARIE-TOOTH DISEASE, AXONAL, AUTOSOMAL DOMINANT, TYPE 2O; Charcot-Marie-Tooth disease, axonal, type 20; Charcot-Marie-Tooth Neuropathy Type 2O. Identifiers: Orphanet 284232, MedGen C3280220, MONDO:0013644, OMIM 614228.

Submission:

Labcorp Genetics (formerly Invitae), Labcorp
Classification: Uncertain significance for Charcot-Marie-Tooth disease axonal type 2O. Last evaluated: 2020-09-24. Review status: criteria provided, single submitter. Criteria: Invitae Variant Classification Sherloc (09022015). Collection method: clinical testing. Allele origin: germline.
Comment: Algorithms developed to predict the effect of missense changes on protein structure and function are either unavailable or do not agree on the potential impact of this missense change (SIFT: "Deleterious"; PolyPhen-2: "Possibly Damaging"; Align-GVGD: "Class C15"). This variant has not been reported in the literature in individuals with DYNC1H1-related conditions. This variant is not present in population databases (ExAC no frequency). This sequence change replaces serine with cysteine at codon 1230 of the DYNC1H1 protein (p.Ser1230Cys). The serine residue is moderately conserved and there is a moderate physicochemical difference between serine and cysteine. In summary, the available evidence is currently insufficient to determine the role of this variant in disease. Therefore, it has been classified as a Variant of Uncertain Significance.